The following is an entry in ClinVar:

ClinVar aggregate classification (germline): Likely benign (1 of 4 stars; one submission).

Allele frequency attached by ClinVar (database versions not stated): gnomAD 0.00866; 1000 Genomes Project 0.01098; 1000 Genomes Project 30x 0.01343.

Submission:

GeneDx
Classification: Likely benign. Last evaluated: 2021-05-22. Review status: criteria provided, single submitter. Criteria: GeneDx Variant Classification Process June 2021. Collection method: clinical testing. Allele origin: germline. Affected: yes.
Comment: See Variant Classification Assertion Criteria.

NM_005861.4(STUB1):c.-96C>T

Genes: STUB1 (STIP1 homology and U-box containing protein 1; plus strand), LOC130058121 (ATAC-STARR-seq lymphoblastoid silent region 6940; plus strand). Cytogenetic location: 16p13.3.
Variant type: single nucleotide variant.
Coding change: c.-96C>T on transcript NM_005861.4 (MANE Select); 96 bases upstream of the start codon, C replaced by T.
Molecular consequence: 5 prime UTR variant.
Genome position (GRCh38, 1-based): chr16:680,430, C>T. VCF-style: chr16-680430-C-T. GRCh37 (hg19) VCF-style: chr16-730430-C-T.
Other names: c.-401C>T (NM_001293197.2).
Identifiers: ClinVar variation 1723009 (VCV001723009.2), dbSNP rs557232092, ClinGen allele CA276564258.